The following is an entry in ClinVar:

NM_015443.4(KANSL1):c.108T>C (p.Asn36=)

Gene: KANSL1 (KAT8 regulatory NSL complex subunit 1). Cytogenetic location: 17q21.31.
Variant type: single nucleotide variant.
Coding change: c.108T>C on transcript NM_015443.4 (MANE Select); coding-DNA position 108, T replaced by C.
Protein change: p.Asn36=; no amino-acid change (asparagine 36 retained).
Molecular consequence: synonymous variant. On other transcripts: intron variant (4).
Genome position (GRCh38, 1-based): chr17:46,172,036, A>G on the plus strand (T>C on the coding strand, the complement: KANSL1 is on the minus strand). VCF-style: chr17-46172036-A-G. GRCh37 (hg19) VCF-style: chr17-44249402-A-G.
Other names: c.108T>C, p.Asn36= (NM_001193465.2, NM_001193466.2, NM_001379198.1 and 18 more transcripts); c.23+51635T>C (NM_001405885.1, NM_001405884.1, NM_001405883.1 and 1 more transcripts).
Identifiers: ClinVar variation 4280933 (VCV004280933.7).

ClinVar aggregate classification (germline): Likely benign (1 of 4 stars; one submission).

gnomAD v4.1: 5 of 1,614,192 alleles (0.00031%); highest among the groups gnomAD compares: Admixed American, 0.0033%; no homozygotes.

Submission:

CeGaT Center for Human Genetics Tuebingen
Classification: Likely benign. Last evaluated: 2025-09-01. Review status: criteria provided, single submitter. Criteria: CeGaT Center For Human Genetics Tuebingen Variant Classification Criteria Version 2. Collection method: clinical testing. Allele origin: germline. Affected: yes. Observed: 1 variant allele.
Comment: KANSL1: BP4, BP7